The following is an entry in ClinVar:

ClinVar aggregate classification (germline): Pathogenic. Review status: criteria provided, multiple submitters, no conflicts (2 of 4 stars). 2 submissions from 2 submitters: Pathogenic (2). Last evaluated 2023-08-25.

Conditions:
Lynch syndrome 5 (LYNCH5). Also called: Colorectal cancer, hereditary nonpolyposis, type 5; Hereditary non-polyposis colorectal cancer, type 5. Identifiers: Orphanet 144, MedGen C1833477, MONDO:0013710, OMIM 614350. Disease mechanism: loss of function.
Hereditary nonpolyposis colorectal neoplasms. Identifiers: MedGen C0009405, MeSH D003123.

Allele frequency attached by ClinVar (database versions not stated): gnomAD exomes below 0.00001.

Submissions (2):

Myriad Genetics, Inc.
Classification: Pathogenic for Lynch syndrome 5. Last evaluated: 2023-08-25. Review status: criteria provided, single submitter. Criteria: Myriad Autosomal Dominant, Autosomal Recessive and X-Linked Classification Criteria (2023). Collection method: clinical testing. Allele origin: unknown.
Comment: This variant is considered pathogenic. This variant creates a frameshift predicted to result in premature protein truncation.

Labcorp Genetics (formerly Invitae), Labcorp
Classification: Pathogenic for Hereditary nonpolyposis colorectal neoplasms. Last evaluated: 2022-04-15. Review status: criteria provided, single submitter. Criteria: Invitae Variant Classification Sherloc (09022015). Collection method: clinical testing. Allele origin: germline.
Comment: For these reasons, this variant has been classified as Pathogenic. This variant has not been reported in the literature in individuals affected with MSH6-related conditions. This variant is not present in population databases (gnomAD no frequency). This sequence change creates a premature translational stop signal (p.Glu1254Valfs*29) in the MSH6 gene. It is expected to result in an absent or disrupted protein product. Loss-of-function variants in MSH6 are known to be pathogenic (PMID: 18269114, 24362816).

Literature cited by the submitters: PubMed 18269114 (cited by Labcorp Genetics (formerly Invitae), Labcorp); PubMed 24362816 (cited by Labcorp Genetics (formerly Invitae), Labcorp).

NM_000179.3(MSH6):c.3736_3760dup (p.Glu1254fs)

Gene: MSH6 (mutS homolog 6; plus strand). Cytogenetic location: 2p16.3.
Variant type: Duplication.
Coding change: c.3736_3760dup on transcript NM_000179.3 (MANE Select); coding-DNA positions 3736 to 3760, 25 bases duplicated (TCAACTCACTACCATTCATTAGTAG).
Protein change: p.Glu1254fs; shifts the reading frame from glutamic acid 1254.
Molecular consequence: frameshift variant.
Genome position (GRCh38, 1-based): chr2:47,806,293-47,806,317, TCAACTCACTACCATTCATTAGTAG duplicated. VCF-style (leftmost placement, unchanged base first): chr2-47806292-T-TTCAACTCACTACCATTCATTAGTAG. GRCh37 (hg19) VCF-style: chr2-48033431-T-TTCAACTCACTACCATTCATTAGTAG.
Other names: c.3346_3370dup, p.Glu1124fs (NM_001281492.2); c.2830_2854dup, p.Glu952fs (NM_001281493.2, NM_001281494.2); c.3832_3856dup, p.Glu1286Valfs (NM_001406795.1, NM_001406802.1); c.3736_3760dup, p.Glu1254Valfs (NM_001406796.1, NM_001406800.1, NM_001406808.1 and 1 more transcripts); c.3439_3463dup, p.Glu1155Valfs (NM_001406797.1, NM_001406801.1, NM_001406805.1 and 10 more transcripts); c.3562_3586dup, p.Glu1196Valfs (NM_001406798.1); c.3211_3235dup, p.Glu1079Valfs (NM_001406799.1, NM_001406806.1, NM_001406807.1); c.2872_2896dup, p.Glu966Valfs (NM_001406803.1); and 8 more; short protein forms E1124fs, E952fs, E1254fs.
Identifiers: ClinVar variation 2126181 (VCV002126181.5), dbSNP rs2530844368, ClinGen allele CA2580067310.
Genomic context (GRCh38, chr2:47,806,292, plus strand): 5'-GGCAATAGCAAATGCAGTTGTTAAAGAACTTGCTGAGACTATAAAATGTCGTACATTATT[T>TTCAACTCACTACCATTCATTAGTAG]TCAACTCACTACCATTCATTAGTAGAAGATTATTCTCAAAATGTTGCTGTGCGCCTAGGA-3'